The following is an entry in ClinVar:

NM_001846.4(COL4A2):c.4239del (p.Ala1415fs)

Genes: COL4A2 (collagen type IV alpha 2 chain; plus strand), COL4A2-AS1 (COL4A2 antisense RNA 1; minus strand). Cytogenetic location: 13q34.
Variant type: Deletion.
Coding change: c.4239del on transcript NM_001846.4 (MANE Select); coding-DNA position 4239, one base deleted (T; older notation c.4239delT).
Protein change: p.Ala1415fs; shifts the reading frame from alanine 1415.
Molecular consequence: frameshift variant.
Genome position (GRCh38, 1-based): chr13:110,503,947, T deleted. VCF-style (leftmost placement, unchanged base first): chr13-110503946-CT-C. GRCh37 (hg19) VCF-style: chr13-111156293-CT-C.
Other names: p.Ala1415Hisfs*44; short protein forms A1415fs.
Identifiers: ClinVar variation 4541805 (VCV004541805.1).

ClinVar aggregate classification (germline): Likely pathogenic (1 of 4 stars; one submission).

Submission:

Mayo Clinic Laboratories, Mayo Clinic
Classification: Likely pathogenic. Last evaluated: 2025-07-11. Review status: criteria provided, single submitter. Criteria: ACMG Guidelines, 2015. Collection method: clinical testing. Allele origin: germline. Observed: 1 variant allele.
Comment: PM2_supporting, PVS1

Literature cited by the submitters: PubMed 36324412.